The following is an entry in ClinVar:

NM_015629.4(PRPF31):c.756C>T (p.Leu252=)

Gene: PRPF31 (pre-mRNA processing factor 31; plus strand). Cytogenetic location: 19q13.42.
Variant type: single nucleotide variant.
Coding change: c.756C>T on transcript NM_015629.4 (MANE Select); coding-DNA position 756, C replaced by T.
Protein change: p.Leu252=; no amino-acid change (leucine 252 retained).
Molecular consequence: synonymous variant.
Genome position (GRCh38, 1-based): chr19:54,124,557, C>T. VCF-style: chr19-54124557-C-T. GRCh37 (hg19) VCF-style: chr19-54627936-C-T.
Identifiers: ClinVar variation 1651619 (VCV001651619.32), dbSNP rs779668113, ClinGen allele CA309326097.
Genomic context (GRCh38, chr19:54,124,557, plus strand): 5'-AGGTGTGGCCGGCGGCCTGACCAACCTCTCCAAGATGCCCGCCTGCAACATCATGCTGCT[C>T]GGGGCCCAGCGCAAGACGCTGTCGGGCTTCTCGTCTACCTCAGTGCTGCCCCACACCGGC-3'
Protein context (NP_056444.3, residues 242-262): SKMPACNIML[Leu252=]GAQRKTLSGF

ClinVar aggregate classification (germline): Likely benign. Review status: criteria provided, multiple submitters, no conflicts (2 of 4 stars). 2 submissions from 2 submitters: Likely benign (2). Last evaluated 2022-07-19.

Allele frequency attached by ClinVar (database versions not stated): gnomAD 0.00001; TOPMed 0.00002; gnomAD exomes 0.00003 and 0.00004; ExAC 0.00004.
gnomAD v4.1: 47 of 1,612,596 alleles (0.0029%); highest among the groups gnomAD compares: South Asian, 0.019%; no homozygotes.

Submissions (2):

Labcorp Genetics (formerly Invitae), Labcorp
Classification: Likely benign. Last evaluated: 2022-07-19. Review status: criteria provided, single submitter. Criteria: Invitae Variant Classification Sherloc (09022015). Collection method: clinical testing. Allele origin: germline.

CeGaT Center for Human Genetics Tuebingen
Classification: Likely benign. Last evaluated: 2022-05-01. Review status: criteria provided, single submitter. Criteria: CeGaT Center For Human Genetics Tuebingen Variant Classification Criteria Version 2. Collection method: clinical testing. Allele origin: germline. Affected: yes. Observed: 1 variant allele.
Comment: PRPF31: BP4, BP7